The following is an entry in ClinVar:

ClinVar aggregate classification (germline): Uncertain significance. Review status: criteria provided, multiple submitters, no conflicts (2 of 4 stars). 2 submissions from 2 submitters: Uncertain significance (2). Last evaluated 2025-11-17.

Conditions:
Hereditary cancer-predisposing syndrome. Also called: Hereditary neoplastic syndrome; Hereditary Cancer Syndrome; Neoplastic Syndromes, Hereditary; Tumor predisposition. Identifiers: Orphanet 140162, MedGen C0027672, MeSH D009386, MONDO:0015356.
DICER1-related tumor predisposition. Also called: DICER1 syndrome; DICER1-related pleuropulmonary blastoma cancer predisposition syndrome. Identifiers: Orphanet 284343, MedGen C3839822, MONDO:0100216.

Submissions (2):

Ambry Genetics
Classification: Uncertain significance for Hereditary cancer-predisposing syndrome. Last evaluated: 2025-11-17. Review status: criteria provided, single submitter. Criteria: Ambry Variant Classification Scheme 2023. Collection method: clinical testing. Allele origin: germline.
Comment: The p.Q15E variant (also known as c.43C>G), located in coding exon 1 of the DICER1 gene, results from a C to G substitution at nucleotide position 43. The glutamine at codon 15 is replaced by glutamic acid, an amino acid with highly similar properties. This amino acid position is conserved. In addition, the in silico prediction for this alteration is inconclusive. Based on the available evidence, the clinical significance of this variant remains unclear.

Labcorp Genetics (formerly Invitae), Labcorp
Classification: Uncertain significance for DICER1-related tumor predisposition. Last evaluated: 2024-05-05. Review status: criteria provided, single submitter. Criteria: Invitae Variant Classification Sherloc (09022015). Collection method: clinical testing. Allele origin: germline.
Comment: This sequence change replaces glutamine, which is neutral and polar, with glutamic acid, which is acidic and polar, at codon 15 of the DICER1 protein (p.Gln15Glu). This variant is not present in population databases (gnomAD no frequency). This variant has not been reported in the literature in individuals affected with DICER1-related conditions. An algorithm developed to predict the effect of missense changes on protein structure and function (PolyPhen-2) suggests that this variant is likely to be disruptive. In summary, the available evidence is currently insufficient to determine the role of this variant in disease. Therefore, it has been classified as a Variant of Uncertain Significance.

NM_177438.3(DICER1):c.43C>G (p.Gln15Glu)

Gene: DICER1 (dicer 1, ribonuclease III; minus strand). Cytogenetic location: 14q32.13.
Variant type: single nucleotide variant.
Coding change: c.43C>G on transcript NM_177438.3 (MANE Select); coding-DNA position 43, C replaced by G.
Protein change: p.Gln15Glu; replaces glutamine 15 with glutamic acid.
Molecular consequence: missense variant. On other transcripts: non-coding transcript variant (6), intron variant (1), 5 prime UTR variant (8).
Genome position (GRCh38, 1-based): chr14:95,133,416, G>C on the plus strand (C>G on the coding strand, the complement: DICER1 is on the minus strand). VCF-style: chr14-95133416-G-C. GRCh37 (hg19) VCF-style: chr14-95599753-G-C.
Other names: c.-130-739C>G (NM_001395687.1); c.43C>G, p.Gln15Glu (NM_001195573.1, NM_001271282.3, NM_001291628.2 and 14 more transcripts); c.-232C>G (NM_001395686.1, NM_001395688.1, NM_001395689.1 and 3 more transcripts); c.-416C>G (NM_001395691.1); c.-1526C>G (NM_001395697.1); short protein forms Q15E.
Identifiers: ClinVar variation 3652180 (VCV003652180.3).